The following is an entry in ClinVar:

NM_004329.3(BMPR1A):c.842T>C (p.Val281Ala)

Gene: BMPR1A (bone morphogenetic protein receptor type 1A; plus strand). Cytogenetic location: 10q23.2.
Variant type: single nucleotide variant.
Coding change: c.842T>C on transcript NM_004329.3 (MANE Select); coding-DNA position 842, T replaced by C.
Protein change: p.Val281Ala; replaces valine 281 with alanine.
Molecular consequence: missense variant.
Genome position (GRCh38, 1-based): chr10:86,917,300, T>C. VCF-style: chr10-86917300-T-C. GRCh37 (hg19) VCF-style: chr10-88677057-T-C.
Other names: c.917T>C, p.Val306Ala (NM_001406559.1); c.890T>C, p.Val297Ala (NM_001406560.1); c.842T>C, p.Val281Ala (NM_001406561.1, NM_001406562.1, NM_001406563.1 and 19 more transcripts); c.836T>C, p.Val279Ala (NM_001406583.1); c.758T>C, p.Val253Ala (NM_001406584.1, NM_001406585.1, NM_001406586.1 and 2 more transcripts); c.500T>C, p.Val167Ala (NM_001406589.1); short protein forms V281A, V167A, V253A, V279A, V297A, V306A.
Identifiers: ClinVar variation 2196719 (VCV002196719.5), dbSNP rs2539605344, ClinGen allele CA377458699.

ClinVar aggregate classification (germline): Uncertain significance. Review status: criteria provided, multiple submitters, no conflicts (2 of 4 stars). 2 submissions from 2 submitters: Uncertain significance (2). Last evaluated 2026-07-07.

Conditions:
Juvenile polyposis syndrome (JPS). Identifiers: Orphanet 2929, MedGen C0345893, MONDO:0017380, OMIM 174900.
Hereditary cancer-predisposing syndrome. Also called: Tumor predisposition; Hereditary Cancer Syndrome; Hereditary neoplastic syndrome; Neoplastic Syndromes, Hereditary. Identifiers: Orphanet 140162, MedGen C0027672, MeSH D009386, MONDO:0015356.

Submissions (2):

Ambry Genetics
Classification: Uncertain significance for Hereditary cancer-predisposing syndrome. Last evaluated: 2026-07-07. Review status: criteria provided, single submitter. Criteria: Ambry Variant Classification Scheme 2023. Collection method: clinical testing. Allele origin: germline.
Comment: The p.V281A variant (also known as c.842T>C), located in coding exon 7 of the BMPR1A gene, results from a T to C substitution at nucleotide position 842. The valine at codon 281 is replaced by alanine, an amino acid with similar properties. This amino acid position is conserved. In addition, the in silico prediction for this alteration is inconclusive. Based on the available evidence, the clinical significance of this variant remains unclear.

Labcorp Genetics (formerly Invitae), Labcorp
Classification: Uncertain significance for Juvenile polyposis syndrome. Last evaluated: 2024-08-04. Review status: criteria provided, single submitter. Criteria: Invitae Variant Classification Sherloc (09022015). Collection method: clinical testing. Allele origin: germline.
Comment: This sequence change replaces valine, which is neutral and non-polar, with alanine, which is neutral and non-polar, at codon 281 of the BMPR1A protein (p.Val281Ala). This variant is not present in population databases (gnomAD no frequency). This variant has not been reported in the literature in individuals affected with BMPR1A-related conditions. ClinVar contains an entry for this variant (Variation ID: 2196719). Advanced modeling of protein sequence and biophysical properties (such as structural, functional, and spatial information, amino acid conservation, physicochemical variation, residue mobility, and thermodynamic stability) performed at Invitae indicates that this missense variant is not expected to disrupt BMPR1A protein function with a negative predictive value of 80%. In summary, the available evidence is currently insufficient to determine the role of this variant in disease. Therefore, it has been classified as a Variant of Uncertain Significance.